The following is an entry in ClinVar:

ClinVar aggregate classification (germline): Conflicting classifications of pathogenicity. Review status: criteria provided, conflicting classifications (1 of 4 stars). 5 submissions from 5 submitters: Uncertain significance (4); Likely benign (1). Last evaluated 2026-06-10.

Conditions:
Cortical dysplasia, complex, with other brain malformations 13. Also called: Intellectual disability, autosomal dominant 13. Identifiers: MedGen C3281202, MONDO:0013805, OMIM 614563.
Charcot-Marie-Tooth disease axonal type 2O. Also called: CHARCOT-MARIE-TOOTH NEUROPATHY, AXONAL, TYPE 2O; CHARCOT-MARIE-TOOTH DISEASE, AXONAL, AUTOSOMAL DOMINANT, TYPE 2O; Charcot-Marie-Tooth Neuropathy Type 2O; Charcot-Marie-Tooth disease, axonal, type 20. Identifiers: Orphanet 284232, MedGen C3280220, MONDO:0013644, OMIM 614228.
Inborn genetic diseases. Identifiers: MedGen C0950123, MeSH D030342.
DYNC1H1-related disorder. Also called: DYNC1H1-related condition; DYNC1H1-related disorders. Identifiers: MedGen CN381529.

Allele frequency attached by ClinVar (database versions not stated): gnomAD exomes 0.00001; gnomAD 0.00003; TOPMed 0.00005; ESP Exome Variant Server 0.00008; ExAC 0.00001.
gnomAD v4.1: 4 of 1,614,098 alleles (0.00025%); highest among the groups gnomAD compares: African/African-American, 0.0053%; no homozygotes.

Submissions (5):

PreventionGenetics, part of Exact Sciences
Classification: Uncertain significance for DYNC1H1-related condition. Last evaluated: 2026-06-10. Review status: criteria provided, single submitter. Criteria: ACMG Guidelines, 2015. Collection method: clinical testing. Allele origin: germline.
Comment: The DYNC1H1 c.11503A>G variant is predicted to result in the amino acid substitution p.Ile3835Val. To our knowledge, this variant has not been reported in the literature. This variant is reported in 0.012% of alleles in individuals of African descent in gnomAD. At this time, the clinical significance of this variant is uncertain due to the absence of conclusive functional and genetic evidence.

Labcorp Genetics (formerly Invitae), Labcorp
Classification: Likely benign for Charcot-Marie-Tooth disease axonal type 2O. Last evaluated: 2025-06-08. Review status: criteria provided, single submitter. Criteria: Invitae Variant Classification Sherloc (09022015). Collection method: clinical testing. Allele origin: germline.

Women's Health and Genetics/Laboratory Corporation of America, LabCorp
Classification: Uncertain significance. Last evaluated: 2025-05-20. Review status: criteria provided, single submitter. Criteria: LabCorp Variant Classification Summary - May 2015. Collection method: clinical testing. Allele origin: germline.
Comment: Variant summary: DYNC1H1 c.11503A>G (p.Ile3835Val) results in a conservative amino acid change in the encoded protein sequence. Algorithms developed to predict the effect of missense changes on protein structure and function are either unavailable or do not agree on the potential impact of this missense change. The variant allele was found at a frequency of 8e-06 in 251472 control chromosomes. The available data on variant occurrences in the general population are insufficient to allow any conclusion about variant significance. To our knowledge, no occurrence of c.11503A>G in individuals affected with Charcot-Marie-Tooth disease axonal type 2O and no experimental evidence demonstrating its impact on protein function have been reported. ClinVar contains an entry for this variant (Variation ID: 1329727). Based on the evidence outlined above, the variant was classified as uncertain significance.

Ambry Genetics
Classification: Uncertain significance for Inborn genetic diseases. Last evaluated: 2023-12-21. Review status: criteria provided, single submitter. Criteria: Ambry Variant Classification Scheme 2023. Collection method: clinical testing. Allele origin: germline.

GeneDx
Classification: Uncertain significance. Last evaluated: 2021-06-23. Review status: criteria provided, single submitter. Criteria: GeneDx Variant Classification Process June 2021. Collection method: clinical testing. Allele origin: germline. Affected: yes.
Comment: Has not been previously published as pathogenic or benign to our knowledge; In silico analysis supports that this missense variant does not alter protein structure/function; This variant is associated with the following publications: (PMID: 27535533)

NM_001376.5(DYNC1H1):c.11503A>G (p.Ile3835Val)

Gene: DYNC1H1 (dynein cytoplasmic 1 heavy chain 1; plus strand). Cytogenetic location: 14q32.31.
Variant type: single nucleotide variant.
Coding change: c.11503A>G on transcript NM_001376.5 (MANE Select); coding-DNA position 11503, A replaced by G.
Protein change: p.Ile3835Val; replaces isoleucine 3835 with valine.
Molecular consequence: missense variant.
Genome position (GRCh38, 1-based): chr14:102,039,454, A>G. VCF-style: chr14-102039454-A-G. GRCh37 (hg19) VCF-style: chr14-102505791-A-G.
Other names: short protein forms I3835V.
Identifiers: ClinVar variation 1329727 (VCV001329727.11), dbSNP rs148513391, ClinGen allele CA7353630.
Genomic context (GRCh38, chr14:102,039,454, plus strand): 5'-CCCACTGCTTCCTTTCAGATACACTTCTTGTACCAGTACTCCCTCCAGTTTTTCCTGGAC[A>G]TTTATCACAACGTCCTATACGAGAACCCGAACCTGAAGGGTGTCACCGACCACACACAGC-3'
Protein context (NP_001367.2, residues 3825-3845): YQYSLQFFLD[Ile3835Val]YHNVLYENPN